The following is an entry in ClinVar:

NM_001037.5(SCN1B):c.448+219C>A

Gene: SCN1B (sodium voltage-gated channel beta subunit 1; plus strand). Cytogenetic location: 19q13.11.
Variant type: single nucleotide variant.
Coding change: c.448+219C>A on transcript NM_001037.5 (MANE Select); 219 bases into the intron after coding-DNA position 448, C replaced by A.
Molecular consequence: intron variant. On other transcripts: missense variant (1).
Genome position (GRCh38, 1-based): chr19:35,033,958, C>A. VCF-style: chr19-35033958-C-A. GRCh37 (hg19) VCF-style: chr19-35524862-C-A.
Other names: c.667C>A, p.His223Asn (NM_199037.5); c.349+219C>A (NM_001321605.2); short protein forms H223N.
Identifiers: ClinVar variation 2201709 (VCV002201709.4), dbSNP rs754870200, ClinGen allele CA9372050.
Genomic context (GRCh38, chr19:35,033,958, plus strand): 5'-CTCCAGCTCTGGCCTCTGTTTCTCTCCAGCCCACGGAGAGGTCAAAGCATGCCTGTCCCC[C>A]ACAGACGCTCCGGGTACAGAACCCAGCTCTGTCACCTGTGCTGTATGACCTCTGGCAGGT-3'

ClinVar aggregate classification (germline): Uncertain significance (1 of 4 stars; one submission).

Conditions:
Brugada syndrome 5 (BRGDA5). Identifiers: Orphanet 130, Orphanet 871, MedGen C2748541, MONDO:0013015, OMIM 612838.

gnomAD v4.1: 13 of 1,552,976 alleles (0.00084%); highest among the groups gnomAD compares: South Asian, 0.0012%; no homozygotes.

Submission:

Labcorp Genetics (formerly Invitae), Labcorp
Classification: Uncertain significance for Brugada syndrome 5. Last evaluated: 2026-01-08. Review status: criteria provided, single submitter. Criteria: Invitae Variant Classification Sherloc (09022015). Collection method: clinical testing. Allele origin: germline.
Comment: This sequence change replaces histidine, which is basic and polar, with asparagine, which is neutral and polar, at codon 223 of the SCN1B protein (p.His223Asn). This variant is not present in population databases (gnomAD no frequency). This variant has not been reported in the literature in individuals affected with SCN1B-related conditions. ClinVar contains an entry for this variant (Variation ID: 2201709). An algorithm developed to predict the effect of missense changes on protein structure and function (PolyPhen-2) suggests that this variant is likely to be tolerated. In summary, the available evidence is currently insufficient to determine the role of this variant in disease. Therefore, it has been classified as a Variant of Uncertain Significance.